The following is an entry in ClinVar:

ClinVar aggregate classification (germline): Benign/Likely benign. Review status: criteria provided, multiple submitters, no conflicts (2 of 4 stars). 7 submissions from 3 submitters: Benign (5); Likely benign (2). Last evaluated 2019-02-28.

Conditions:
Brachydactyly. Also called: Brachydactyly syndrome; Brachydactyly (disease). Identifiers: MedGen C0221357, MONDO:0021004, HP:0001156.
Acromesomelic dysplasia 2B. Also called: DU PAN SYNDROME. Identifiers: Orphanet 2639, MedGen C1856738, MONDO:0009231, OMIM 228900.
Multiple synostoses syndrome 2 (SYNS2). Identifiers: Orphanet 3237, MedGen C1832708, MONDO:0012394, OMIM 610017.
Acromesomelic dysplasia 2C, Hunter-Thompson type. Also called: Acromesomelic dysplasia, Hunter-Thompson type. Identifiers: Orphanet 968, MedGen C2930970, MONDO:0008717, OMIM 201250.
Grebe syndrome. Also called: ACROMESOMELIC DYSPLASIA, GREBE TYPE; GREBE DYSPLASIA; ACROMESOMELIC DYSPLASIA 2A. Identifiers: Orphanet 2098, MedGen C0265260, MONDO:0008703, OMIM 200700.

Allele frequency attached by ClinVar (database versions not stated): 1000 Genomes Project 0.01098; 1000 Genomes Project 30x 0.01218; TOPMed 0.01954; gnomAD 0.02033 and 0.02106.
gnomAD v4.1: 24,593 of 988,792 alleles (2.5%); highest among the groups gnomAD compares: Non-Finnish European, 3.1%; 366 homozygotes.

Submissions (7):

GeneDx
Classification: Likely benign. Last evaluated: 2019-02-28. Review status: criteria provided, single submitter. Criteria: GeneDx Variant Classification Process June 2021. Collection method: clinical testing. Allele origin: germline. Affected: yes.

Illumina Laboratory Services, Illumina
Classification: Benign for Acromesomelic dysplasia 2C, Hunter-Thompson type. Last evaluated: 2018-01-12. Review status: criteria provided, single submitter. Criteria: ICSL Variant Classification Criteria 13 December 2019. Collection method: clinical testing. Allele origin: germline.
Comment: This variant was observed in the ICSL laboratory as part of a predisposition screen in an ostensibly healthy population. It had not been previously curated by ICSL or reported in the Human Gene Mutation Database (HGMD: prior to June 1st, 2018), and was therefore a candidate for classification through an automated scoring system. Utilizing variant allele frequency, disease prevalence and penetrance estimates, and inheritance mode, an automated score was calculated to assess if this variant is too frequent to cause the disease. Based on the score and internal cut-off values, a variant classified as benign is not then subjected to further curation. The score for this variant resulted in a classification of benign for this disease.

Illumina Laboratory Services, Illumina
Classification: Benign for Fibular hypoplasia and complex brachydactyly. Last evaluated: 2018-01-12. Review status: criteria provided, single submitter. Criteria: ICSL Variant Classification Criteria 13 December 2019. Collection method: clinical testing. Allele origin: germline.
Comment: the same text as in the submission from Illumina Laboratory Services, Illumina above.

Illumina Laboratory Services, Illumina
Classification: Benign for Grebe syndrome. Last evaluated: 2018-01-12. Review status: criteria provided, single submitter. Criteria: ICSL Variant Classification Criteria 13 December 2019. Collection method: clinical testing. Allele origin: germline.
Comment: the same text as in the submission from Illumina Laboratory Services, Illumina above.

Illumina Laboratory Services, Illumina
Classification: Benign for Multiple synostoses syndrome 2. Last evaluated: 2018-01-12. Review status: criteria provided, single submitter. Criteria: ICSL Variant Classification Criteria 13 December 2019. Collection method: clinical testing. Allele origin: germline.
Comment: the same text as in the submission from Illumina Laboratory Services, Illumina above.

Illumina Laboratory Services, Illumina
Classification: Benign for Brachydactyly. Last evaluated: 2018-01-12. Review status: criteria provided, single submitter. Criteria: ICSL Variant Classification Criteria 13 December 2019. Collection method: clinical testing. Allele origin: germline.
Comment: the same text as in the submission from Illumina Laboratory Services, Illumina above.

Breakthrough Genomics
Classification: Likely benign. Review status: criteria provided, single submitter. Criteria: ACMG Guidelines, 2015. Collection method: not provided. Allele origin: germline. Inheritance: Autosomal recessive inheritance. Affected: yes.

NM_000557.5(GDF5):c.-135G>A

Genes: GDF5 (growth differentiation factor 5; minus strand), LOC109461476 (GDF5 promoter region; plus strand). Cytogenetic location: 20q11.22.
Variant type: single nucleotide variant.
Coding change: c.-135G>A on transcript NM_000557.5 (MANE Select); 135 bases upstream of the start codon, G replaced by A.
Molecular consequence: 5 prime UTR variant.
Genome position (GRCh38, 1-based): chr20:35,438,063, C>T on the plus strand (G>A on the coding strand, the complement: GDF5 is on the minus strand). VCF-style: chr20-35438063-C-T. GRCh37 (hg19) VCF-style: chr20-34025843-C-T.
Other names: c.-135G>A (NM_001319138.2).
Identifiers: ClinVar variation 338326 (VCV000338326.9), dbSNP rs73094730, ClinGen allele CA10643804.